The following is an entry in ClinVar:

NM_000023.4(SGCA):c.602G>A (p.Gly201Asp)

Gene: SGCA (sarcoglycan alpha; plus strand). Cytogenetic location: 17q21.33.
Variant type: single nucleotide variant.
Coding change: c.602G>A on transcript NM_000023.4 (MANE Select); coding-DNA position 602, G replaced by A.
Protein change: p.Gly201Asp; replaces glycine 201 with aspartic acid.
Molecular consequence: missense variant. On other transcripts: non-coding transcript variant (1), intron variant (1).
Genome position (GRCh38, 1-based): chr17:50,169,109, G>A. VCF-style: chr17-50169109-G-A. GRCh37 (hg19) VCF-style: chr17-48246470-G-A.
Other names: c.584+537G>A (NM_001135697.3); short protein forms G201D.
Identifiers: ClinVar variation 1492140 (VCV001492140.9), dbSNP rs2144498132, ClinGen allele CA400180381.

ClinVar aggregate classification (germline): Likely pathogenic (1 of 4 stars; one submission).

Conditions:
Autosomal recessive limb-girdle muscular dystrophy type 2D (LGMDR3). Also called: ADHALINOPATHY, PRIMARY; DUCHENNE-LIKE AUTOSOMAL RECESSIVE MUSCULAR DYSTROPHY, TYPE 2; MUSCULAR DYSTROPHY, LIMB-GIRDLE, AUTOSOMAL RECESSIVE 3. Identifiers: Orphanet 62, MedGen C2936332, MONDO:0011968, OMIM 608099. Disease mechanism: Affects gamma-sarcoglycan and also disrupts the integrity of the entire sarcoglycan complex..

Submission:

Labcorp Genetics (formerly Invitae), Labcorp
Classification: Likely pathogenic for Autosomal recessive limb-girdle muscular dystrophy type 2D. Last evaluated: 2022-06-26. Review status: criteria provided, single submitter. Criteria: Invitae Variant Classification Sherloc (09022015). Collection method: clinical testing. Allele origin: germline.
Comment: This sequence change replaces glycine, which is neutral and non-polar, with aspartic acid, which is acidic and polar, at codon 201 of the SGCA protein (p.Gly201Asp). This variant is not present in population databases (gnomAD no frequency). This missense change has been observed in individual(s) with limb-girdle muscular dystrophy (PMID: 31066050). Advanced modeling of protein sequence and biophysical properties (such as structural, functional, and spatial information, amino acid conservation, physicochemical variation, residue mobility, and thermodynamic stability) performed at Invitae indicates that this missense variant is expected to disrupt SGCA protein function. Algorithms developed to predict the effect of sequence changes on RNA splicing suggest that this variant may disrupt the consensus splice site. In summary, the currently available evidence indicates that the variant is pathogenic, but additional data are needed to prove that conclusively. Therefore, this variant has been classified as Likely Pathogenic.

Literature cited by the submitters: PubMed 31066050.